The following is an entry in ClinVar:

NM_001378030.1(CCDC78):c.1233G>A (p.Leu411=)

Gene: CCDC78 (coiled-coil domain containing 78; minus strand). Cytogenetic location: 16p13.3.
Variant type: single nucleotide variant.
Coding change: c.1233G>A on transcript NM_001378030.1 (MANE Select); coding-DNA position 1233, G replaced by A.
Protein change: p.Leu411=; no amino-acid change (leucine 411 retained).
Molecular consequence: synonymous variant. On other transcripts: nonsense (1), non-coding transcript variant (5).
Genome position (GRCh38, 1-based): chr16:722,990, C>T on the plus strand (G>A on the coding strand, the complement: CCDC78 is on the minus strand). VCF-style: chr16-722990-C-T. GRCh37 (hg19) VCF-style: chr16-772990-C-T.
Other names: c.1229G>A, p.Trp410Ter (NM_001031737.3); c.1053G>A, p.Leu351= (NM_001378031.1); c.666G>A, p.Leu222= (NM_001378033.1); short protein forms W410*.
Identifiers: ClinVar variation 1517574 (VCV001517574.6), dbSNP rs893572894, ClinGen allele CA276518528.

ClinVar aggregate classification (germline): Uncertain significance (1 of 4 stars; one submission).

Conditions:
Congenital myopathy with internal nuclei and atypical cores. Also called: Myopathy, centronuclear, 4. Identifiers: Orphanet 319160, MedGen C4707232, MONDO:0013890, OMIM 614807.

Allele frequency attached by ClinVar (database versions not stated): gnomAD exomes 0.00001; gnomAD 0.00004; TOPMed 0.00007.

Submission:

Labcorp Genetics (formerly Invitae), Labcorp
Classification: Uncertain significance for Congenital myopathy with internal nuclei and atypical cores. Last evaluated: 2023-05-23. Review status: criteria provided, single submitter. Criteria: Invitae Variant Classification Sherloc (09022015). Collection method: clinical testing. Allele origin: germline.
Comment: In summary, the available evidence is currently insufficient to determine the role of this variant in disease. Therefore, it has been classified as a Variant of Uncertain Significance. ClinVar contains an entry for this variant (Variation ID: 1517574). This variant has not been reported in the literature in individuals affected with CCDC78-related conditions. This variant is present in population databases (no rsID available, gnomAD 0.007%). This sequence change creates a premature translational stop signal (p.Trp410*) in the CCDC78 gene. It is expected to result in an absent or disrupted protein product. However, the current clinical and genetic evidence is not sufficient to establish whether loss-of-function variants in CCDC78 cause disease.